The following is an entry in ClinVar:

NM_003587.5(DHX16):c.691C>T (p.Arg231Cys)

Gene: DHX16 (DEAH-box helicase 16; minus strand). Cytogenetic location: 6p21.33.
Variant type: single nucleotide variant.
Coding change: c.691C>T on transcript NM_003587.5 (MANE Select); coding-DNA position 691, C replaced by T.
Protein change: p.Arg231Cys; replaces arginine 231 with cysteine.
Molecular consequence: missense variant. On other transcripts: 5 prime UTR variant (1).
Genome position (GRCh38, 1-based): chr6:30,665,709, G>A on the plus strand (C>T on the coding strand, the complement: DHX16 is on the minus strand). VCF-style: chr6-30665709-G-A. GRCh37 (hg19) VCF-style: chr6-30633486-G-A.
Other names: c.511C>T, p.Arg171Cys (NM_001164239.2); c.-1429C>T (NM_001363515.2); short protein forms R171C, R231C.
Identifiers: ClinVar variation 4282482 (VCV004282482.1).
Genomic context (GRCh38, chr6:30,665,709, plus strand): 5'-CCAGCTCCGCCTCCAGGTCCTCAAGCTTCTCTCGCTCCCGCTTAGCCAGGTACTCTCGGC[G>A]AGATTTCTTCCGCAGCTCAGGGACCTGAGTTGGGAAAGGACAGTCGAATCCTCATCTTGC-3'
Protein context (NP_003578.2, residues 221-241): AMVPELRKKS[Arg231Cys]REYLAKRERE

ClinVar aggregate classification (germline): Uncertain significance (1 of 4 stars; one submission).

gnomAD v4.1: 2 of 1,610,792 alleles (0.00012%); highest among the groups gnomAD compares: Non-Finnish European, 0.00017%; no homozygotes.

Submission:

GeneDx
Classification: Uncertain significance. Last evaluated: 2025-03-20. Review status: criteria provided, single submitter. Criteria: GeneDx Variant Classification Process June 2021. Collection method: clinical testing. Allele origin: germline. Affected: yes.
Comment: Not observed at significant frequency in large population cohorts (gnomAD); In silico analysis supports that this missense variant has a deleterious effect on protein structure/function; Has not been previously published as pathogenic or benign to our knowledge